The following is an entry in ClinVar:

ClinVar aggregate classification (germline): Uncertain significance (1 of 4 stars; one submission).

Conditions:
Congenital myasthenic syndrome 4A. Also called: Myasthenic syndrome, congenital, 4a, slow-channel; CONGENITAL MYASTHENIC SYNDROME TYPE Ia1; MYASTHENIC SYNDROME, CONGENITAL, 4A, SLOW-CHANNEL, AUTOSOMAL RECESSIVE. Identifiers: Orphanet 590, MedGen C4225413, MONDO:0011600, OMIM 605809.

Submission:

Labcorp Genetics (formerly Invitae), Labcorp
Classification: Uncertain significance for Congenital myasthenic syndrome 4A. Last evaluated: 2022-09-28. Review status: criteria provided, single submitter. Criteria: Invitae Variant Classification Sherloc (09022015). Collection method: clinical testing. Allele origin: germline.
Comment: This sequence change disrupts the translational stop signal of the CHRNE mRNA. It is expected to extend the length of the CHRNE protein by 3 additional amino acid residues. This variant is not present in population databases (gnomAD no frequency). This variant has not been reported in the literature in individuals affected with CHRNE-related conditions. Experimental studies and prediction algorithms are not available or were not evaluated, and the functional significance of this variant is currently unknown. In summary, the available evidence is currently insufficient to determine the role of this variant in disease. Therefore, it has been classified as a Variant of Uncertain Significance.

NM_000080.4(CHRNE):c.1481_*48del (p.Ter494LeuextTer?)

Gene: CHRNE (cholinergic receptor nicotinic epsilon subunit; minus strand). Cytogenetic location: 17p13.2.
Variant type: Deletion.
Coding change: c.1481_*48del on transcript NM_000080.4 (MANE Select); coding-DNA position 1481 through 48 bases downstream of the stop codon, 50 bases deleted.
Protein change: p.Ter494LeuextTer?.
Molecular consequence: frameshift variant, stop lost.
Genome position (GRCh38, 1-based): chr17:4,898,688-4,898,737, 50 bases deleted; deleting any 50 consecutive bases within chr17:4,898,688-4,898,739 gives the same sequence; the c. name uses the placement nearest the transcript's 3' end. GRCh37 (hg19): chr17:4,801,985-4,802,034.
Identifiers: ClinVar variation 2419262 (VCV002419262.3), dbSNP rs1293466716, ClinGen allele CA772622490.